The following is an entry in ClinVar:

ClinVar aggregate classification (germline): Likely benign (1 of 4 stars; one submission).

Allele frequency attached by ClinVar (database versions not stated): ExAC 0.00002; gnomAD exomes 0.00001.
gnomAD v4.1: 4 of 1,613,984 alleles (0.00025%); highest among the groups gnomAD compares: Admixed American, 0.0017%; no homozygotes.

Submission:

Laboratory for Molecular Medicine, Mass General Brigham Personalized Medicine
Classification: Likely benign. Last evaluated: 2017-08-23. Review status: criteria provided, single submitter. Criteria: LMM Criteria. Collection method: clinical testing. Allele origin: germline. Observed: 1 variant allele.
Comment: p.Tyr495Tyr in exon 16 of EYA4: This variant is not expected to have clinical si gnificance because it does not alter an amino acid residue and is not located wi thin the splice consensus sequence. It has been identified in 1/11562 Latino chr omosomes by the Exome Aggregation Consortium (ExAC, rg; dbSNP rs745611778).

NM_004100.5(EYA4):c.1485C>T (p.Tyr495=)

Genes: EYA4 (EYA transcriptional coactivator and phosphatase 4; plus strand), TARID (TCF21 antisense RNA inducing promoter demethylation; minus strand). Cytogenetic location: 6q23.2.
Variant type: single nucleotide variant.
Coding change: c.1485C>T on transcript NM_004100.5 (MANE Select); coding-DNA position 1485, C replaced by T.
Protein change: p.Tyr495=; no amino-acid change (tyrosine 495 retained).
Molecular consequence: synonymous variant.
Genome position (GRCh38, 1-based): chr6:133,513,022, C>T. VCF-style: chr6-133513022-C-T. GRCh37 (hg19) VCF-style: chr6-133834160-C-T.
Other names: c.1323C>T, p.Tyr441= (NM_001301012.2); c.1503C>T, p.Tyr501= (NM_001301013.2); c.1416C>T, p.Tyr472= (NM_001370458.1, NM_172103.4); c.1341C>T, p.Tyr447= (NM_001370459.1); c.1485C>T, p.Tyr495= (NM_172105.4).
Identifiers: ClinVar variation 667111 (VCV000667111.4), dbSNP rs745611778, ClinGen allele CA4008364.